The following is an entry in ClinVar:

ClinVar aggregate classification (germline): Uncertain significance (1 of 4 stars; one submission).

Conditions:
Nemaline myopathy 10 (NEM10). Identifiers: MedGen C4015360, MONDO:0014513, OMIM 616165.

Allele frequency attached by ClinVar (database versions not stated): gnomAD exomes below 0.00001.
gnomAD v4.1: 1 of 1,613,890 alleles (0.000062%); highest among the groups gnomAD compares: Non-Finnish European, 0.000085%; no homozygotes.

Submission:

Labcorp Genetics (formerly Invitae), Labcorp
Classification: Uncertain significance for Nemaline myopathy 10. Last evaluated: 2021-08-19. Review status: criteria provided, single submitter. Criteria: Invitae Variant Classification Sherloc (09022015). Collection method: clinical testing. Allele origin: germline.
Comment: In summary, the available evidence is currently insufficient to determine the role of this variant in disease. Therefore, it has been classified as a Variant of Uncertain Significance. Algorithms developed to predict the effect of missense changes on protein structure and function are either unavailable or do not agree on the potential impact of this missense change (SIFT: "Deleterious"; PolyPhen-2: "Benign"; Align-GVGD: "Class C0"). This variant has not been reported in the literature in individuals affected with LMOD3-related conditions. This variant is not present in population databases (ExAC no frequency). This sequence change replaces threonine with isoleucine at codon 232 of the LMOD3 protein (p.Thr232Ile). The threonine residue is weakly conserved and there is a moderate physicochemical difference between threonine and isoleucine.

NM_198271.5(LMOD3):c.695C>T (p.Thr232Ile)

Gene: LMOD3 (leiomodin 3; minus strand). Cytogenetic location: 3p14.1.
Variant type: single nucleotide variant.
Coding change: c.695C>T on transcript NM_198271.5 (MANE Select); coding-DNA position 695, C replaced by T.
Protein change: p.Thr232Ile; replaces threonine 232 with isoleucine.
Molecular consequence: missense variant.
Genome position (GRCh38, 1-based): chr3:69,119,660, G>A on the plus strand (C>T on the coding strand, the complement: LMOD3 is on the minus strand). VCF-style: chr3-69119660-G-A. GRCh37 (hg19) VCF-style: chr3-69168811-G-A.
Other names: c.695C>T, p.Thr232Ile (NM_001304418.3); short protein forms T232I.
Identifiers: ClinVar variation 1513933 (VCV001513933.6), dbSNP rs2107526596, ClinGen allele CA353475189.